The following is an entry in ClinVar:

NM_001242957.3(MAK):c.497G>A (p.Arg166His)

Gene: MAK (male germ cell associated kinase; minus strand). Cytogenetic location: 6p24.2.
Variant type: single nucleotide variant.
Coding change: c.497G>A on transcript NM_001242957.3 (MANE Select); coding-DNA position 497, G replaced by A.
Protein change: p.Arg166His; replaces arginine 166 with histidine.
Molecular consequence: missense variant. On other transcripts: non-coding transcript variant (2).
Genome position (GRCh38, 1-based): chr6:10,803,886, C>T on the plus strand (G>A on the coding strand, the complement: MAK is on the minus strand). VCF-style: chr6-10803886-C-T. GRCh37 (hg19) VCF-style: chr6-10804119-C-T.
Other names: c.497G>A, p.Arg166His (NM_001242385.2, NM_005906.6); c.395G>A, p.Arg132His (NM_001377262.1); short protein forms R166H, R132H.
Identifiers: ClinVar variation 29784 (VCV000029784.11), dbSNP rs387906648, ClinGen allele CA259651.

ClinVar aggregate classification (germline): Pathogenic. Review status: criteria provided, multiple submitters, no conflicts (2 of 4 stars). 5 submissions from 5 submitters: Pathogenic (3). 2 of the submissions do not count toward it. Last evaluated 2024-12-30.

Conditions:
MAK-related disorders.
Retinitis pigmentosa 62 (RP62). Identifiers: Orphanet 791, MedGen C3280042, MONDO:0013611, OMIM 614181.
Retinitis pigmentosa (RP). Identifiers: Orphanet 791, MedGen C0035334, MeSH D012174, MONDO:0019200, OMIM 268000. Inheritance: Autosomal dominant, autosomal recessive and X linked inheritance.

Allele frequency attached by ClinVar (database versions not stated): TOPMed 0.00003; gnomAD exomes 0.00001; gnomAD 0.00002.
gnomAD v4.1: 15 of 1,613,620 alleles (0.00093%); highest among the groups gnomAD compares: African/African-American, 0.0027%; no homozygotes.

Submissions (5):

Labcorp Genetics (formerly Invitae), Labcorp
Classification: Pathogenic. Last evaluated: 2024-12-30. Review status: criteria provided, single submitter. Criteria: Invitae Variant Classification Sherloc (09022015). Collection method: clinical testing. Allele origin: germline.
Comment: This sequence change replaces arginine, which is basic and polar, with histidine, which is basic and polar, at codon 166 of the MAK protein (p.Arg166His). This variant is not present in population databases (gnomAD no frequency). This missense change has been observed in individuals with retinitis pigmentosa (PMID: 21835304, 25385675). It has also been observed to segregate with disease in related individuals. ClinVar contains an entry for this variant (Variation ID: 29784). Invitae Evidence Modeling of protein sequence and biophysical properties (such as structural, functional, and spatial information, amino acid conservation, physicochemical variation, residue mobility, and thermodynamic stability) indicates that this missense variant is expected to disrupt MAK protein function with a positive predictive value of 80%. For these reasons, this variant has been classified as Pathogenic.

Blueprint Genetics
Classification: Pathogenic for MAK-related disorders. Last evaluated: 2024-09-18. Review status: criteria provided, single submitter. Criteria: ACMG Guidelines, 2015. Collection method: clinical testing. Allele origin: germline. Affected: yes. Observed: 2 variant alleles.

Ocular Genomics Institute, Massachusetts Eye and Ear
Classification: Pathogenic for Retinitis pigmentosa 62. Last evaluated: 2021-04-08. Review status: criteria provided, single submitter. Criteria: ACMG Guidelines, 2015. Collection method: research. Allele origin: germline. Affected: yes.
Comment: Through a review of available evidence we were able to apply the following criteria: PM2, PP3, PP1-M, PM3. Based on this evidence we have classified this variant as Pathogenic.

Sharon lab, Hadassah-Hebrew University Medical Center
Classification: Pathogenic for Retinitis pigmentosa. Last evaluated: 2019-06-23. Review status: no assertion criteria provided. Collection method: research. Allele origin: inherited. Affected: yes. Not counted in ClinVar's aggregate classification.

OMIM
Classification: Pathogenic for RETINITIS PIGMENTOSA 62. Last evaluated: 2011-08-12. Review status: no assertion criteria provided. Collection method: literature only. Allele origin: germline. Not counted in ClinVar's aggregate classification.

Literature cited by the submitters: PubMed 21835304 (cited by 3 submitters); PubMed 25385675 (cited by Labcorp Genetics (formerly Invitae), Labcorp and Ocular Genomics Institute, Massachusetts Eye and Ear); PubMed 31456290 (cited by Ocular Genomics Institute, Massachusetts Eye and Ear).